The following is an entry in ClinVar:

ClinVar aggregate classification (germline): Uncertain significance (1 of 4 stars; one submission).

Submission:

CeGaT Center for Human Genetics Tuebingen
Classification: Uncertain significance. Last evaluated: 2023-01-01. Review status: criteria provided, single submitter. Criteria: CeGaT Center For Human Genetics Tuebingen Variant Classification Criteria Version 2. Collection method: clinical testing. Allele origin: germline. Affected: yes. Observed: 1 variant allele.
Comment: SCAPER: PM2

NM_020843.4(SCAPER):c.3311G>A (p.Ser1104Asn)

Genes: SCAPER (S-phase cyclin A associated protein in the ER; minus strand), LOC126862183 (BRD4-independent group 4 enhancer GRCh37_chr15:76726060-76727259; plus strand). Cytogenetic location: 15q24.3.
Variant type: single nucleotide variant.
Coding change: c.3311G>A on transcript NM_020843.4 (MANE Select); coding-DNA position 3311, G replaced by A.
Protein change: p.Ser1104Asn; replaces serine 1104 with asparagine.
Molecular consequence: missense variant. On other transcripts: non-coding transcript variant (1).
Genome position (GRCh38, 1-based): chr15:76,434,078, C>T on the plus strand (G>A on the coding strand, the complement: SCAPER is on the minus strand). VCF-style: chr15-76434078-C-T. GRCh37 (hg19) VCF-style: chr15-76726419-C-T.
Other names: c.2573G>A, p.Ser858Asn (NM_001145923.2); c.3329G>A, p.Ser1110Asn (NM_001353009.2); c.2909G>A, p.Ser970Asn (NM_001353010.2, NM_001353012.2); c.2927G>A, p.Ser976Asn (NM_001353011.2); short protein forms S1104N, S1110N, S858N, S970N, S976N.
Identifiers: ClinVar variation 2645581 (VCV002645581.24), dbSNP rs2548144108, ClinGen allele CA393513374.